The following is an entry in ClinVar:

NM_018055.5(NODAL):c.972G>A (p.Leu324=)

Gene: NODAL (nodal growth differentiation factor; minus strand). Cytogenetic location: 10q22.1.
Variant type: single nucleotide variant.
Coding change: c.972G>A on transcript NM_018055.5 (MANE Select); coding-DNA position 972, G replaced by A.
Protein change: p.Leu324=; no amino-acid change (leucine 324 retained).
Molecular consequence: synonymous variant.
Genome position (GRCh38, 1-based): chr10:70,433,008, C>T on the plus strand (G>A on the coding strand, the complement: NODAL is on the minus strand). VCF-style: chr10-70433008-C-T. GRCh37 (hg19) VCF-style: chr10-72192764-C-T.
Other names: c.573G>A, p.Leu191= (NM_001329906.2).
Identifiers: ClinVar variation 697481 (VCV000697481.22), dbSNP rs143903715, ClinGen allele CA5537488.
Genomic context (GRCh38, chr10:70,433,008, plus strand): 5'-ACATTCTTCCACGATCATGTCTTTATGGTGATCTAGGAGCACTCTGCCATTATCCACATA[C>T]AGCATGCTCAGCGGCTTGGTCTTCACTGGGGCACAACAAGTGGAAGGGACTCGGTGGGGC-3'
Protein context (NP_060525.3, residues 314-334): APVKTKPLSM[Leu324=]YVDNGRVLLD

ClinVar aggregate classification (germline): Conflicting classifications of pathogenicity. Review status: criteria provided, conflicting classifications (1 of 4 stars). 4 submissions from 3 submitters: Uncertain significance (2); Likely benign (2). Last evaluated 2025-07-01.

Conditions:
Heterotaxy, visceral, 5, autosomal (HTX5). Also called: Heterotaxy, visceral, 5. Identifiers: Orphanet 450, MedGen C3495537, MONDO:0700112, OMIM 270100.
Holoprosencephaly sequence (HPE). Also called: Holoprosencephaly. Identifiers: Orphanet 2162, MedGen C0079541, MONDO:0016296, HP:0001360.

Allele frequency attached by ClinVar (database versions not stated): ExAC 0.00021; gnomAD exomes 0.00025 and 0.00029; ESP Exome Variant Server 0.00046; gnomAD 0.00051 and 0.00056; TOPMed 0.00065.
gnomAD v4.1: 445 of 1,613,986 alleles (0.028%); highest among the groups gnomAD compares: Admixed American, 0.082%; 1 homozygote.

Submissions (4):

CeGaT Center for Human Genetics Tuebingen
Classification: Likely benign. Last evaluated: 2025-07-01. Review status: criteria provided, single submitter. Criteria: CeGaT Center For Human Genetics Tuebingen Variant Classification Criteria Version 2. Collection method: clinical testing. Allele origin: germline. Affected: yes. Observed: 1 variant allele.
Comment: NODAL: BP4, BP7

Labcorp Genetics (formerly Invitae), Labcorp
Classification: Likely benign for Heterotaxy, visceral, 5, autosomal. Last evaluated: 2023-11-10. Review status: criteria provided, single submitter. Criteria: Invitae Variant Classification Sherloc (09022015). Collection method: clinical testing. Allele origin: germline.

Illumina Laboratory Services, Illumina
Classification: Uncertain significance for Heterotaxy, visceral, 5, autosomal. Last evaluated: 2018-01-13. Review status: criteria provided, single submitter. Criteria: ICSL Variant Classification Criteria 13 December 2019. Collection method: clinical testing. Allele origin: germline.

Illumina Laboratory Services, Illumina
Classification: Uncertain significance for Holoprosencephaly sequence. Last evaluated: 2018-01-13. Review status: criteria provided, single submitter. Criteria: ICSL Variant Classification Criteria 13 December 2019. Collection method: clinical testing. Allele origin: germline.